The following is an entry in ClinVar:

NM_020433.5(JPH2):c.1142G>A (p.Arg381His)

Gene: JPH2 (junctophilin 2; minus strand). Cytogenetic location: 20q13.12.
Variant type: single nucleotide variant.
Coding change: c.1142G>A on transcript NM_020433.5 (MANE Select); coding-DNA position 1142, G replaced by A.
Protein change: p.Arg381His; replaces arginine 381 with histidine.
Molecular consequence: missense variant.
Genome position (GRCh38, 1-based): chr20:44,159,645, C>T on the plus strand (G>A on the coding strand, the complement: JPH2 is on the minus strand). VCF-style: chr20-44159645-C-T. GRCh37 (hg19) VCF-style: chr20-42788285-C-T.
Other names: short protein forms R381H.
Identifiers: ClinVar variation 1731650 (VCV001731650.7), dbSNP rs746668155, ClinGen allele CA409092756.

ClinVar aggregate classification (germline): Uncertain significance. Review status: criteria provided, multiple submitters, no conflicts (2 of 4 stars). 3 submissions from 3 submitters: Uncertain significance (3). Last evaluated 2025-01-17.

Conditions:
Hypertrophic cardiomyopathy. Also called: HYPERTROPHIC MYOCARDIOPATHY. Identifiers: Orphanet 217569, MedGen C0007194, MeSH D002312, MONDO:0005045, HP:0001639.
Cardiovascular phenotype. Identifiers: MedGen CN230736.

Submissions (3):

Ambry Genetics
Classification: Uncertain significance for Cardiovascular phenotype. Last evaluated: 2025-01-17. Review status: criteria provided, single submitter. Criteria: Ambry Variant Classification Scheme 2023. Collection method: clinical testing. Allele origin: germline.

Labcorp Genetics (formerly Invitae), Labcorp
Classification: Uncertain significance for Hypertrophic cardiomyopathy. Last evaluated: 2024-09-26. Review status: criteria provided, single submitter. Criteria: Invitae Variant Classification Sherloc (09022015). Collection method: clinical testing. Allele origin: germline.
Comment: This sequence change replaces arginine, which is basic and polar, with histidine, which is basic and polar, at codon 381 of the JPH2 protein (p.Arg381His). This variant is not present in population databases (gnomAD no frequency). This variant has not been reported in the literature in individuals affected with JPH2-related conditions. ClinVar contains an entry for this variant (Variation ID: 1731650). An algorithm developed to predict the effect of missense changes on protein structure and function (PolyPhen-2) suggests that this variant is likely to be disruptive. In summary, the available evidence is currently insufficient to determine the role of this variant in disease. Therefore, it has been classified as a Variant of Uncertain Significance.

Blueprint Genetics
Classification: Uncertain significance. Last evaluated: 2024-01-19. Review status: criteria provided, single submitter. Criteria: ACMG Guidelines, 2015. Collection method: clinical testing. Allele origin: germline.